The following is an entry in ClinVar:

NM_002878.4(RAD51D):c.216C>T (p.Tyr72=)

Genes: RAD51D (RAD51 paralog D; minus strand), RAD51L3-RFFL (RAD51L3-RFFL readthrough; minus strand). Cytogenetic location: 17q12.
Variant type: single nucleotide variant.
Coding change: c.216C>T on transcript NM_002878.4 (MANE Select); coding-DNA position 216, C replaced by T.
Protein change: p.Tyr72=; no amino-acid change (tyrosine 72 retained).
Molecular consequence: synonymous variant. On other transcripts: intron variant (2).
Genome position (GRCh38, 1-based): chr17:35,118,548, G>A on the plus strand (C>T on the coding strand, the complement: RAD51D is on the minus strand). VCF-style: chr17-35118548-G-A. GRCh37 (hg19) VCF-style: chr17-33445567-G-A.
Other names: p.Y72Y:TAC>TAT; c.144+563C>T (NM_133629.3, NM_001142571.2).
Identifiers: ClinVar variation 138874 (VCV000138874.55), dbSNP rs148690585, ClinGen allele CA293030.
Genomic context (GRCh38, chr17:35,118,548, plus strand): 5'-TACACACACAAACCTGCCAATGCCAGTGGACAGGATGGCAGTGGAGGTCTTCAGTTCCTC[G>A]TAGAGATCAGCGCCATTCACGGGGAAAGCCGAGAACTGAGCCAGCAGCACCCGCCTCAGG-3'
Protein context (NP_002869.3, residues 62-82): SAFPVNGADL[Tyr72=]EELKTSTAIL

ClinVar aggregate classification (germline): Benign/Likely benign. Review status: criteria provided, multiple submitters, no conflicts (2 of 4 stars). 14 submissions from 14 submitters: Benign (3); Likely benign (9). 2 of the submissions do not count toward it. Last evaluated 2026-02-04.

Conditions:
Hereditary cancer-predisposing syndrome. Also called: Tumor predisposition; Hereditary neoplastic syndrome; Hereditary Cancer Syndrome; Neoplastic Syndromes, Hereditary. Identifiers: Orphanet 140162, MedGen C0027672, MeSH D009386, MONDO:0015356.
Breast-ovarian cancer, familial, susceptibility to, 4. Identifiers: Orphanet 145, MedGen C3280345, MONDO:0013669, OMIM 614291.
Malignant tumor of breast. Also called: Cancer breast; Malignant breast neoplasm. Identifiers: MedGen C0006142, MONDO:0007254. Disease mechanism: loss of function.

Allele frequency attached by ClinVar (database versions not stated): gnomAD exomes 0.00004 and 0.00011; ExAC 0.00017; gnomAD 0.00027 and 0.00028; TOPMed 0.00033; 1000 Genomes Project 0.00040; ESP Exome Variant Server 0.00046; 1000 Genomes Project 30x 0.00047.
gnomAD v4.1: 104 of 1,614,160 alleles (0.0064%); highest among the groups gnomAD compares: African/African-American, 0.072%; no homozygotes.

Submissions (14):

Labcorp Genetics (formerly Invitae), Labcorp
Classification: Benign for Breast-ovarian cancer, familial, susceptibility to, 4. Last evaluated: 2026-02-04. Review status: criteria provided, single submitter. Criteria: Invitae Variant Classification Sherloc (09022015). Collection method: clinical testing. Allele origin: germline.

Center for Genomic Medicine, Rigshospitalet, Copenhagen University Hospital
Classification: Likely benign. Last evaluated: 2025-12-29. Review status: criteria provided, single submitter. Criteria: ACMG Guidelines, 2015. Collection method: clinical testing. Allele origin: germline.

Myriad Genetics, Inc.
Classification: Benign for Breast-ovarian cancer, familial, susceptibility to, 4. Last evaluated: 2023-04-06. Review status: criteria provided, single submitter. Criteria: Myriad Autosomal Dominant, Autosomal Recessive and X-Linked Classification Criteria (2023). Collection method: clinical testing. Allele origin: unknown.
Comment: This variant is considered benign. This variant is a silent/synonymous amino acid change and it is not expected to impact splicing.

CeGaT Center for Human Genetics Tuebingen
Classification: Likely benign. Last evaluated: 2023-03-01. Review status: criteria provided, single submitter. Criteria: CeGaT Center For Human Genetics Tuebingen Variant Classification Criteria Version 2. Collection method: clinical testing. Allele origin: germline. Affected: yes. Observed: 1 variant allele.
Comment: RAD51D: BP4, BP7

Blueprint Genetics
Classification: Likely benign. Last evaluated: 2022-02-08. Review status: criteria provided, single submitter. Criteria: ACMG Guidelines, 2015. Collection method: clinical testing. Allele origin: germline.

Sema4
Classification: Likely benign for Hereditary cancer-predisposing syndrome. Last evaluated: 2021-01-31. Review status: criteria provided, single submitter. Criteria: Sema4 Curation Guidelines. Collection method: curation. Allele origin: germline.

Women's Health and Genetics/Laboratory Corporation of America, LabCorp
Classification: Likely benign. Last evaluated: 2020-04-23. Review status: criteria provided, single submitter. Criteria: LabCorp Variant Classification Summary - May 2015. Collection method: clinical testing. Allele origin: germline.

Genetic Services Laboratory, University of Chicago
Classification: Likely benign. Last evaluated: 2017-05-02. Review status: criteria provided, single submitter. Criteria: ACMG Guidelines, 2015. Collection method: clinical testing. Allele origin: germline. Affected: no.

Quest Diagnostics Nichols Institute San Juan Capistrano
Classification: Likely benign. Last evaluated: 2016-09-28. Review status: criteria provided, single submitter. Criteria: Quest Diagnostics criteria. Collection method: clinical testing. Allele origin: germline.

Color Diagnostics, LLC DBA Color Health
Classification: Likely benign for Hereditary cancer-predisposing syndrome. Last evaluated: 2015-11-02. Review status: criteria provided, single submitter. Criteria: ACMG Guidelines, 2015. Collection method: clinical testing. Allele origin: germline.

Ambry Genetics
Classification: Likely benign for Hereditary cancer-predisposing syndrome. Last evaluated: 2014-08-18. Review status: criteria provided, single submitter. Criteria: Ambry Variant Classification Scheme 2023. Collection method: clinical testing. Allele origin: germline.

GeneDx
Classification: Benign. Last evaluated: 2014-02-24. Review status: criteria provided, single submitter. Criteria: GeneDx Variant Classification (06012015). Collection method: clinical testing. Allele origin: germline. Affected: yes.
Comment: This variant is considered likely benign or benign based on one or more of the following criteria: it is a conservative change, it occurs at a poorly conserved position in the protein, it is predicted to be benign by multiple in silico algorithms, and/or has population frequency not consistent with disease.

Counsyl
Classification: Likely benign for Breast-ovarian cancer, familial, susceptibility to, 4. Last evaluated: 2016-07-26. Review status: no assertion criteria provided. Collection method: clinical testing. Allele origin: unknown. Not counted in ClinVar's aggregate classification.

Department of Pathology and Laboratory Medicine, Sinai Health System
Classification: Likely benign for Malignant tumor of breast. Review status: no assertion criteria provided. Collection method: clinical testing. Allele origin: unknown. Affected: yes. Observed: 1 variant allele. Study: The Canadian Open Genetics Repository (COGR). Not counted in ClinVar's aggregate classification.
Comment: The RAD51D p.Tyr72= variant was not identified in the literature nor was it identified in Cosmic. The variant was identified in dbSNP (ID: rs148690585) â€šÃ„ÃºWith other alleleâ€šÃ„Ã¹, ClinVar (classified benign by GeneDx, Invitae; likely benign by Ambry Genetics, Counsyl, Genetic Services Laboratory (University of Chicago), Quest Diagnostics Nichols Institute San Juan Capistrano and Color Genomics), Clinvitae, and in control databases in 42 of 277194 chromosomes at a frequency of 0.0002 increasing the likelihood this could be a low frequency benign variant (Genome Aggregation Database Feb 27, 2017). Breakdown of the observations by population include African in 28 of 24030 chromosomes (freq: 0.001), European Non-Finnish in 3 of 126696 chromosomes (freq: 0.00002), and East Asian in 11 of 18868 chromosomes (freq: 0.0006), while not observed in the Other, Latino, Ashkenazi Jewish, European Finnish, and South Asian populations. The p.Tyr72= variant is not expected to have clinical significance because it does not result in a change of amino acid and is not located in a known consensus splice site. In addition, in silico or computational prediction software programs (SpliceSiteFinder, MaxEntScan, NNSPLICE, GeneSplicer, HumanSpliceFinder) do not predict a difference in splicing. In summary, based on the above information the clinical significance of this variant cannot be determined with certainty at this time although we would lean towards a more benign role for this variant. This variant is classified as likely benign.